The following is an entry in ClinVar:

NM_021627.3(SENP2):c.818-4A>G

Gene: SENP2 (SUMO specific peptidase 2; plus strand). Cytogenetic location: 3q27.2.
Variant type: single nucleotide variant.
Coding change: c.818-4A>G on transcript NM_021627.3 (MANE Select); 4 bases into the intron before coding-DNA position 818, A replaced by G.
Molecular consequence: intron variant.
Genome position (GRCh38, 1-based): chr3:185,612,603, A>G. VCF-style: chr3-185612603-A-G. GRCh37 (hg19) VCF-style: chr3-185330391-A-G.
Identifiers: ClinVar variation 2654331 (VCV002654331.24), dbSNP rs183052599, ClinGen allele CA2741031.

ClinVar aggregate classification (germline): Likely benign (1 of 4 stars; one submission).

Allele frequency attached by ClinVar (database versions not stated): 1000 Genomes Project 0.00160; 1000 Genomes Project 30x 0.00172; gnomAD 0.00273; ExAC 0.00274; TOPMed 0.00275; ESP Exome Variant Server 0.00361; gnomAD exomes 0.00471.
gnomAD v4.1: 7,204 of 1,600,656 alleles (0.45%); highest among the groups gnomAD compares: Non-Finnish European, 0.56%; 20 homozygotes.

Submission:

CeGaT Center for Human Genetics Tuebingen
Classification: Likely benign. Last evaluated: 2023-05-01. Review status: criteria provided, single submitter. Criteria: CeGaT Center For Human Genetics Tuebingen Variant Classification Criteria Version 2. Collection method: clinical testing. Allele origin: germline. Affected: yes. Observed: 1 variant allele.
Comment: SENP2: BP4, BS2